The following is an entry in ClinVar:

ClinVar aggregate classification (germline): Uncertain significance (1 of 4 stars; one submission).

Conditions:
Tuberous sclerosis 2 (TSC2). Identifiers: Orphanet 805, MedGen C1860707, MONDO:0013199, OMIM 613254.

Submission:

Labcorp Genetics (formerly Invitae), Labcorp
Classification: Uncertain significance for Tuberous sclerosis 2. Last evaluated: 2025-12-21. Review status: criteria provided, single submitter. Criteria: Invitae Variant Classification Sherloc (09022015). Collection method: clinical testing. Allele origin: germline.
Comment: This sequence change replaces aspartic acid, which is acidic and polar, with alanine, which is neutral and non-polar, at codon 514 of the TSC2 protein (p.Asp514Ala). Information on the frequency of this variant in the gnomAD database is not available, as this variant may be reported differently in the database. This variant has not been reported in the literature in individuals affected with TSC2-related conditions. An algorithm developed to predict the effect of missense changes on protein structure and function (PolyPhen-2) suggests that this variant is likely to be tolerated. In summary, the available evidence is currently insufficient to determine the role of this variant in disease. Therefore, it has been classified as a Variant of Uncertain Significance.

NM_000548.5(TSC2):c.1541_1542delinsCT (p.Asp514Ala)

Gene: TSC2 (TSC complex subunit 2; plus strand). Cytogenetic location: 16p13.3.
Variant type: Indel.
Coding change: c.1541_1542delinsCT on transcript NM_000548.5 (MANE Select); coding-DNA positions 1541 to 1542, AC replaced by CT.
Protein change: p.Asp514Ala; replaces aspartic acid 514 with alanine.
Molecular consequence: missense variant. On other transcripts: 5 prime UTR variant (1), non-coding transcript variant (5).
Genome position (GRCh38, 1-based): chr16:2,064,369-2,064,370, AC replaced by CT. VCF-style: chr16-2064369-AC-CT. GRCh37 (hg19) VCF-style: chr16-2114370-AC-CT.
Other names: c.1430_1431delinsCT, p.Asp477Ala (NM_001406678.1, NM_001406670.1, NM_001318827.2); c.1394_1395delinsCT, p.Asp465Ala (NM_001406679.1, NM_001406675.1, NM_001406676.1 and 1 more transcripts); c.941_942delinsCT, p.Asp314Ala (NM_001406680.1, NM_001406682.1, NM_001406683.1 and 6 more transcripts); c.1079_1080delinsCT, p.Asp360Ala (NM_001406681.1); c.197_198delinsCT, p.Asp66Ala (NM_001406689.1, NM_001406690.1, NM_001406691.1 and 6 more transcripts); c.-62_-61delinsCT (NM_001406698.1); c.1541_1542delinsCT, p.Asp514Ala (NM_021055.3, NM_001406664.1, NM_001406665.1 and 6 more transcripts); c.1631_1632delinsCT, p.Asp544Ala (NM_001406667.1, NM_001406668.1); and 3 more; short protein forms D360A, D514A, D525A, D544A, D66A, D477A, D314A, D495A.
Identifiers: ClinVar variation 4733781 (VCV004733781.1).